The following is an entry in ClinVar:

ClinVar aggregate classification (germline): Uncertain significance. Review status: criteria provided, multiple submitters, no conflicts (2 of 4 stars). 2 submissions from 2 submitters: Uncertain significance (2). Last evaluated 2025-09-30.

gnomAD v4.1: 50 of 1,614,150 alleles (0.0031%); highest among the groups gnomAD compares: Middle Eastern, 0.017%; no homozygotes.

Submissions (2):

Labcorp Genetics (formerly Invitae), Labcorp
Classification: Uncertain significance. Last evaluated: 2025-09-30. Review status: criteria provided, single submitter. Criteria: Invitae Variant Classification Sherloc (09022015). Collection method: clinical testing. Allele origin: germline.
Comment: This sequence change replaces threonine, which is neutral and polar, with isoleucine, which is neutral and non-polar, at codon 11 of the PROKR2 protein (p.Thr11Ile). This variant is present in population databases (rs752490227, gnomAD 0.006%). This missense change has been observed in individual(s) with Kallmann syndrome (PMID: 36694982). An algorithm developed to predict the effect of missense changes on protein structure and function (PolyPhen-2) suggests that this variant is likely to be tolerated. Experimental studies have shown that this missense change affects PROKR2 function (PMID: 36694982). In summary, the available evidence is currently insufficient to determine the role of this variant in disease. Therefore, it has been classified as a Variant of Uncertain Significance.

GeneDx
Classification: Uncertain significance. Last evaluated: 2025-05-10. Review status: criteria provided, single submitter. Criteria: GeneDx Variant Classification Process June 2021. Collection method: clinical testing. Allele origin: germline. Affected: yes.
Comment: Reported in association with isolated hypogonadotropic hypogonadism in the published literature (PMID: 36694982); In silico analysis suggests that this missense variant does not alter protein structure/function; This variant is associated with the following publications: (PMID: 36694982)

Literature cited by the submitters: PubMed 36694982 (cited by Labcorp Genetics (formerly Invitae), Labcorp).

NM_144773.4(PROKR2):c.32C>T (p.Thr11Ile)

Gene: PROKR2 (prokineticin receptor 2; minus strand). Cytogenetic location: 20p12.3.
Variant type: single nucleotide variant.
Coding change: c.32C>T on transcript NM_144773.4 (MANE Select); coding-DNA position 32, C replaced by T.
Protein change: p.Thr11Ile; replaces threonine 11 with isoleucine.
Molecular consequence: missense variant.
Genome position (GRCh38, 1-based): chr20:5,314,338, G>A on the plus strand (C>T on the coding strand, the complement: PROKR2 is on the minus strand). VCF-style: chr20-5314338-G-A. GRCh37 (hg19) VCF-style: chr20-5294984-G-A.
Other names: short protein forms T11I.
Identifiers: ClinVar variation 4526960 (VCV004526960.2).